The following is an entry in ClinVar:

ClinVar aggregate classification (germline): Uncertain significance (1 of 4 stars; one submission).

Submission:

CeGaT Center for Human Genetics Tuebingen
Classification: Uncertain significance. Last evaluated: 2024-05-01. Review status: criteria provided, single submitter. Criteria: CeGaT Center For Human Genetics Tuebingen Variant Classification Criteria Version 2. Collection method: clinical testing. Allele origin: germline. Affected: yes. Observed: 1 variant allele.
Comment: LAMA5: PM2

NM_005560.6(LAMA5):c.3778C>T (p.Pro1260Ser)

Gene: LAMA5 (laminin subunit alpha 5; minus strand). Cytogenetic location: 20q13.33.
Variant type: single nucleotide variant.
Coding change: c.3778C>T on transcript NM_005560.6 (MANE Select); coding-DNA position 3778, C replaced by T.
Protein change: p.Pro1260Ser; replaces proline 1260 with serine.
Molecular consequence: missense variant.
Genome position (GRCh38, 1-based): chr20:62,330,817, G>A on the plus strand (C>T on the coding strand, the complement: LAMA5 is on the minus strand). VCF-style: chr20-62330817-G-A. GRCh37 (hg19) VCF-style: chr20-60905873-G-A.
Other names: short protein forms P1260S.
Identifiers: ClinVar variation 3239607 (VCV003239607.19), dbSNP rs780286336.